The following is an entry in ClinVar:

NM_001204.7(BMPR2):c.2056A>G (p.Met686Val)

Gene: BMPR2 (bone morphogenetic protein receptor type 2; plus strand). Cytogenetic location: 2q33.2.
Variant type: single nucleotide variant.
Coding change: c.2056A>G on transcript NM_001204.7 (MANE Select); coding-DNA position 2056, A replaced by G.
Protein change: p.Met686Val; replaces methionine 686 with valine.
Molecular consequence: missense variant.
Genome position (GRCh38, 1-based): chr2:202,555,721, A>G. VCF-style: chr2-202555721-A-G. GRCh37 (hg19) VCF-style: chr2-203420444-A-G.
Other names: short protein forms M686V.
Identifiers: ClinVar variation 4214517 (VCV004214517.1).

ClinVar aggregate classification (germline): Uncertain significance (1 of 4 stars; one submission).

Conditions:
Inborn genetic diseases. Identifiers: MedGen C0950123, MeSH D030342.

gnomAD v4.1: 7 of 1,608,834 alleles (0.00044%); highest among the groups gnomAD compares: Non-Finnish European, 0.0006%; no homozygotes.

Submission:

Ambry Genetics
Classification: Uncertain significance for Inborn genetic diseases. Last evaluated: 2025-08-20. Review status: criteria provided, single submitter. Criteria: Ambry Variant Classification Scheme 2023. Collection method: clinical testing. Allele origin: germline.
Comment: The p.M686V variant (also known as c.2056A>G), located in coding exon 12 of the BMPR2 gene, results from an A to G substitution at nucleotide position 2056. The methionine at codon 686 is replaced by valine, an amino acid with highly similar properties. This amino acid position is conserved. In addition, this alteration is predicted to be deleterious by in silico analysis. Based on the available evidence, the clinical significance of this variant remains unclear.